The following is an entry in ClinVar:

ClinVar aggregate classification (germline): Uncertain significance (1 of 4 stars; one submission).

Conditions:
Hereditary cancer-predisposing syndrome. Also called: Neoplastic Syndromes, Hereditary; Hereditary Cancer Syndrome; Tumor predisposition; Hereditary neoplastic syndrome. Identifiers: Orphanet 140162, MedGen C0027672, MeSH D009386, MONDO:0015356.

Submission:

Ambry Genetics
Classification: Uncertain significance for Hereditary cancer-predisposing syndrome. Last evaluated: 2025-01-06. Review status: criteria provided, single submitter. Criteria: Ambry Variant Classification Scheme 2023. Collection method: clinical testing. Allele origin: germline.
Comment: The p.T959K variant (also known as c.2876C>A), located in coding exon 17 of the PTCH1 gene, results from a C to A substitution at nucleotide position 2876. The threonine at codon 959 is replaced by lysine, an amino acid with similar properties. This amino acid position is conserved. In addition, this alteration is predicted to be deleterious by in silico analysis. Based on the available evidence, the clinical significance of this variant remains unclear.

NM_000264.5(PTCH1):c.2876C>A (p.Thr959Lys)

Gene: PTCH1 (patched 1; minus strand). Cytogenetic location: 9q22.32.
Variant type: single nucleotide variant.
Coding change: c.2876C>A on transcript NM_000264.5 (MANE Select); coding-DNA position 2876, C replaced by A.
Protein change: p.Thr959Lys; replaces threonine 959 with lysine.
Molecular consequence: missense variant. On other transcripts: non-coding transcript variant (1).
Genome position (GRCh38, 1-based): chr9:95,459,611, G>T on the plus strand (C>A on the coding strand, the complement: PTCH1 is on the minus strand). VCF-style: chr9-95459611-G-T. GRCh37 (hg19) VCF-style: chr9-98221893-G-T.
Other names: c.2678C>A, p.Thr893Lys (NM_001083602.3); c.2873C>A, p.Thr958Lys (NM_001083603.3); c.2423C>A, p.Thr808Lys (NM_001083604.3, NM_001083605.3, NM_001083606.3 and 1 more transcripts); c.2720C>A, p.Thr907Lys (NM_001354918.2); short protein forms T907K, T893K, T959K, T808K, T958K.
Identifiers: ClinVar variation 3784587 (VCV003784587.1).